The following is an entry in ClinVar:

NM_006059.4(LAMC3):c.1847T>C (p.Val616Ala)

Gene: LAMC3 (laminin subunit gamma 3; plus strand). Cytogenetic location: 9q34.12.
Variant type: single nucleotide variant.
Coding change: c.1847T>C on transcript NM_006059.4 (MANE Select); coding-DNA position 1847, T replaced by C.
Protein change: p.Val616Ala; replaces valine 616 with alanine.
Molecular consequence: missense variant.
Genome position (GRCh38, 1-based): chr9:131,052,873, T>C. VCF-style: chr9-131052873-T-C. GRCh37 (hg19) VCF-style: chr9-133928260-T-C.
Other names: short protein forms V616A.
Identifiers: ClinVar variation 1346231 (VCV001346231.6), dbSNP rs558445162, ClinGen allele CA5287242.

ClinVar aggregate classification (germline): Uncertain significance (1 of 4 stars; one submission).

Allele frequency attached by ClinVar (database versions not stated): gnomAD 0.00002 and 0.00001; gnomAD exomes 0.00002 and 0.00001; ExAC 0.00003; TOPMed below 0.00001; 1000 Genomes Project 30x 0.00016; 1000 Genomes Project 0.00020.
gnomAD v4.1: 6 of 1,603,524 alleles (0.00037%); highest among the groups gnomAD compares: African/African-American, 0.0054%; no homozygotes.

Submission:

Labcorp Genetics (formerly Invitae), Labcorp
Classification: Uncertain significance. Last evaluated: 2021-10-21. Review status: criteria provided, single submitter. Criteria: Invitae Variant Classification Sherloc (09022015). Collection method: clinical testing. Allele origin: germline.
Comment: This variant is present in population databases (rs558445162, ExAC 0.02%). This sequence change replaces valine with alanine at codon 616 of the LAMC3 protein (p.Val616Ala). The valine residue is weakly conserved and there is a small physicochemical difference between valine and alanine. This variant has not been reported in the literature in individuals affected with LAMC3-related conditions. In summary, the available evidence is currently insufficient to determine the role of this variant in disease. Therefore, it has been classified as a Variant of Uncertain Significance. Algorithms developed to predict the effect of missense changes on protein structure and function output the following: SIFT: "Tolerated"; PolyPhen-2: "Benign"; Align-GVGD: "Class C0". The alanine amino acid residue is found in multiple mammalian species, which suggests that this missense change does not adversely affect protein function.